The following is an entry in ClinVar:

ClinVar aggregate classification (germline): Uncertain significance (1 of 4 stars; one submission).

Conditions:
EGFR-related lung cancer (EGFR). Identifiers: MedGen CN130014.

Submission:

Labcorp Genetics (formerly Invitae), Labcorp
Classification: Uncertain significance for EGFR-related lung cancer. Last evaluated: 2024-02-23. Review status: criteria provided, single submitter. Criteria: Invitae Variant Classification Sherloc (09022015). Collection method: clinical testing. Allele origin: germline.
Comment: This sequence change replaces proline, which is neutral and non-polar, with leucine, which is neutral and non-polar, at codon 1154 of the EGFR protein (p.Pro1154Leu). This variant is not present in population databases (gnomAD no frequency). This variant has not been reported in the literature in individuals affected with EGFR-related conditions. An algorithm developed to predict the effect of missense changes on protein structure and function (PolyPhen-2) suggests that this variant is likely to be tolerated. In summary, the available evidence is currently insufficient to determine the role of this variant in disease. Therefore, it has been classified as a Variant of Uncertain Significance.

NM_005228.5(EGFR):c.3461C>T (p.Pro1154Leu)

Gene: EGFR (epidermal growth factor receptor; plus strand). Cytogenetic location: 7p11.2.
Variant type: single nucleotide variant.
Coding change: c.3461C>T on transcript NM_005228.5 (MANE Select); coding-DNA position 3461, C replaced by T.
Protein change: p.Pro1154Leu; replaces proline 1154 with leucine.
Molecular consequence: missense variant.
Genome position (GRCh38, 1-based): chr7:55,205,445, C>T. VCF-style: chr7-55205445-C-T. GRCh37 (hg19) VCF-style: chr7-55273138-C-T.
Other names: c.3326C>T, p.Pro1109Leu (NM_001346899.2); c.3302C>T, p.Pro1101Leu (NM_001346900.2); c.2660C>T, p.Pro887Leu (NM_001346941.2); short protein forms P1101L, P1154L, P1109L, P887L.
Identifiers: ClinVar variation 3642697 (VCV003642697.2).